The following is an entry in ClinVar:

NM_015466.4(PTPN23):c.4315_4317del (p.Lys1439del)

Gene: PTPN23 (protein tyrosine phosphatase non-receptor type 23; plus strand). Cytogenetic location: 3p21.31.
Variant type: Deletion.
Coding change: c.4315_4317del on transcript NM_015466.4 (MANE Select); coding-DNA positions 4315 to 4317, 3 bases deleted (AAG; older notation c.4315_4317delAAG).
Protein change: p.Lys1439del; deletes lysine 1439.
Molecular consequence: inframe deletion.
Genome position (GRCh38, 1-based): chr3:47,412,419-47,412,421, AAG deleted; deleting any 3 consecutive bases within chr3:47,412,417-47,412,421 gives the same sequence; the c. name uses the placement nearest the transcript's 3' end. VCF-style (leftmost placement, unchanged base first): chr3-47412416-GAGA-G. GRCh37 (hg19) VCF-style: chr3-47453906-GAGA-G.
Other names: c.3937_3939del, p.Lys1313del (NM_001304482.2); short protein forms K1313del, K1439del.
Identifiers: ClinVar variation 1946589 (VCV001946589.3), dbSNP rs1357842445, ClinGen allele CA907621744.
Genomic context (GRCh38, chr3:47,412,416, plus strand): 5'-ATCCCTGAGCTGCCTCAGCTGGTGCGGCGCATGCGGCAGCAGAGAAAGCACATGCTGCAG[GAGA>G]AGGTGAGGATCTGGGCAGATGGGGCTGGGATGGGCCTTCTGTCCCAGGGTGACGGGCCCC-3'

ClinVar aggregate classification (germline): Uncertain significance. Review status: criteria provided, multiple submitters, no conflicts (2 of 4 stars). 2 submissions from 2 submitters: Uncertain significance (2). Last evaluated 2022-04-20.

Conditions:
Inborn genetic diseases. Identifiers: MedGen C0950123, MeSH D030342.

Submissions (2):

Labcorp Genetics (formerly Invitae), Labcorp
Classification: Uncertain significance. Last evaluated: 2022-04-20. Review status: criteria provided, single submitter. Criteria: Invitae Variant Classification Sherloc (09022015). Collection method: clinical testing. Allele origin: germline.
Comment: This variant, c.4315_4317del, results in the deletion of 1 amino acid(s) of the PTPN23 protein (p.Lys1439del), but otherwise preserves the integrity of the reading frame. This variant is not present in population databases (gnomAD no frequency). This variant has not been reported in the literature in individuals affected with PTPN23-related conditions. Experimental studies and prediction algorithms are not available or were not evaluated, and the functional significance of this variant is currently unknown. In summary, the available evidence is currently insufficient to determine the role of this variant in disease. Therefore, it has been classified as a Variant of Uncertain Significance.

Ambry Genetics
Classification: Uncertain significance for Inborn genetic diseases. Last evaluated: 2021-07-23. Review status: criteria provided, single submitter. Criteria: Ambry Variant Classification Scheme 2023. Collection method: clinical testing. Allele origin: germline.
Comment: The c.4315_4317delAAG (p.K1439del) alteration is located in exon 23 (coding exon 23) of the PTPN23 gene. This alteration consists of an in-frame deletion of 3 nucleotides between nucleotide positions c.4315 and c.4317, resulting in the deletion of 1 residue. Based on insufficient or conflicting evidence, the clinical significance of this alteration remains unclear.